The following is an entry in ClinVar:

ClinVar aggregate classification (germline): Uncertain significance. Review status: criteria provided, multiple submitters, no conflicts (2 of 4 stars). 2 submissions from 2 submitters: Uncertain significance (2). Last evaluated 2022-04-27.

Conditions:
Combined oxidative phosphorylation deficiency 44. Also called: FASTKD2-Related Combined Oxidative Phosphorylation Deficiency. Identifiers: MedGen C5394293, MONDO:0030020, OMIM 618855.

Allele frequency attached by ClinVar (database versions not stated): gnomAD exomes below 0.00001 and 0.00001; ExAC 0.00002; gnomAD 0.00002; TOPMed 0.00002.
gnomAD v4.1: 8 of 1,613,022 alleles (0.0005%); highest among the groups gnomAD compares: African/African-American, 0.0027%; no homozygotes.

Submissions (2):

Fulgent Genetics
Classification: Uncertain significance for Combined oxidative phosphorylation deficiency 44. Last evaluated: 2022-04-27. Review status: criteria provided, single submitter. Criteria: ACMG Guidelines, 2015. Collection method: clinical testing. Allele origin: unknown.

GeneDx
Classification: Uncertain significance. Last evaluated: 2012-06-19. Review status: criteria provided, single submitter. Criteria: GeneDx Variant Classification (06012015). Collection method: clinical testing. Allele origin: germline. Affected: yes.
Comment: p.Met355Val (ATG>GTG): c.1063 A>G in exon 5 of the FASTKD2 gene (NM_014929.3). The M355V missense change has not been published as a mutation, nor has it been reported as a benign polymorphism to our knowledge. The amino acid change is conservative in that both Methionine and Valine are uncharged, non-polar amino acids. This change occurs at a highly conserved position in the FASTKD2 protein. In silico analyses are not consistent in their predictions of whether or not M355V is damaging to the FASTKD2 protein. Therefore, based on the currently available information it is unclear whether M355V is a disease-causing mutation or a rare benign variant. The variant is found in MITONUC-MITOP panel(s).

NM_001136193.2(FASTKD2):c.1063A>G (p.Met355Val)

Gene: FASTKD2 (FAST kinase domains 2; plus strand). Cytogenetic location: 2q33.3.
Variant type: single nucleotide variant.
Coding change: c.1063A>G on transcript NM_001136193.2 (MANE Select); coding-DNA position 1063, A replaced by G.
Protein change: p.Met355Val; replaces methionine 355 with valine.
Molecular consequence: missense variant.
Genome position (GRCh38, 1-based): chr2:206,771,966, A>G. VCF-style: chr2-206771966-A-G. GRCh37 (hg19) VCF-style: chr2-207636690-A-G.
Other names: p.M355V:ATG>GTG; c.1063A>G, p.Met355Val (NM_001136194.2, NM_014929.4); short protein forms M355V.
Identifiers: ClinVar variation 214353 (VCV000214353.3), dbSNP rs766550165, ClinGen allele CA323335.